The following is an entry in ClinVar:

ClinVar aggregate classification (germline): Benign/Likely benign. Review status: criteria provided, multiple submitters, no conflicts (2 of 4 stars). 3 submissions from 3 submitters: Benign (1); Likely benign (2). Last evaluated 2026-01-18.

Conditions:
Spastic paraplegia. Identifiers: MedGen C0037772, HP:0001258.

Allele frequency attached by ClinVar (database versions not stated): gnomAD 0.00002; TOPMed 0.00002; ExAC 0.00003; gnomAD exomes 0.00004; ESP Exome Variant Server 0.00009.
gnomAD v4.1: 42 of 1,208,672 alleles (0.0035%); highest among the groups gnomAD compares: Non-Finnish European, 0.0045%; no homozygotes.

Submissions (3):

Labcorp Genetics (formerly Invitae), Labcorp
Classification: Benign for Spastic paraplegia. Last evaluated: 2026-01-18. Review status: criteria provided, single submitter. Criteria: Invitae Variant Classification Sherloc (09022015). Collection method: clinical testing. Allele origin: germline.

CeGaT Center for Human Genetics Tuebingen
Classification: Likely benign. Last evaluated: 2025-01-01. Review status: criteria provided, single submitter. Criteria: CeGaT Center For Human Genetics Tuebingen Variant Classification Criteria Version 2. Collection method: clinical testing. Allele origin: germline. Affected: yes. Observed: 1 variant allele.
Comment: L1CAM: BP4, BP7, BS2

Blueprint Genetics
Classification: Likely benign. Last evaluated: 2020-01-28. Review status: criteria provided, single submitter. Criteria: ACMG Guidelines, 2015. Collection method: clinical testing. Allele origin: germline.

NM_001278116.2(L1CAM):c.795C>T (p.Ile265=)

Gene: L1CAM (L1 cell adhesion molecule; minus strand). Cytogenetic location: Xq28.
Variant type: single nucleotide variant.
Coding change: c.795C>T on transcript NM_001278116.2 (MANE Select); coding-DNA position 795, C replaced by T.
Protein change: p.Ile265=; no amino-acid change (isoleucine 265 retained).
Molecular consequence: synonymous variant.
Genome position (GRCh38, 1-based): chrX:153,870,399, G>A on the plus strand (C>T on the coding strand, the complement: L1CAM is on the minus strand). VCF-style: chrX-153870399-G-A. GRCh37 (hg19) VCF-style: chrX-153135854-G-A.
Other names: c.795C>T, p.Ile265= (NM_000425.5, NM_024003.3); c.780C>T, p.Ile260= (NM_001143963.2).
Identifiers: ClinVar variation 2716006 (VCV002716006.17), dbSNP rs141383999, ClinGen allele CA10554507.
Genomic context (GRCh38, chrX:153,870,399, plus strand): 5'-GCTCCGCCACCCTGCCCTGCCCTGCCCTGCCCTGGGTTCCCAGACTCACAAGCCCTCGGC[G>A]ATGCACTCCAGGACCAATGGCTGCCCCTGCAAGGCCACCAGGTGGCTGCTGGAGTTGGTG-3'
Protein context (NP_001265045.1, residues 255-275): LQGQPLVLEC[Ile265=]AEGFPTPTIK